The following is an entry in ClinVar:

ClinVar aggregate classification (germline): Uncertain significance (1 of 4 stars; one submission).

Submission:

Labcorp Genetics (formerly Invitae), Labcorp
Classification: Uncertain significance. Last evaluated: 2025-04-20. Review status: criteria provided, single submitter. Criteria: Invitae Variant Classification Sherloc (09022015). Collection method: clinical testing. Allele origin: germline.
Comment: This sequence change replaces leucine, which is neutral and non-polar, with serine, which is neutral and polar, at codon 2203 of the KMT2A protein (p.Leu2203Ser). This variant is not present in population databases (gnomAD no frequency). This variant has not been reported in the literature in individuals affected with KMT2A-related conditions. Invitae Evidence Modeling of protein sequence and biophysical properties (such as structural, functional, and spatial information, amino acid conservation, physicochemical variation, residue mobility, and thermodynamic stability) indicates that this missense variant is not expected to disrupt KMT2A protein function with a negative predictive value of 95%. In summary, the available evidence is currently insufficient to determine the role of this variant in disease. Therefore, it has been classified as a Variant of Uncertain Significance.

NM_001197104.2(KMT2A):c.6608T>C (p.Leu2203Ser)

Gene: KMT2A (lysine methyltransferase 2A; plus strand). Cytogenetic location: 11q23.3.
Variant type: single nucleotide variant.
Coding change: c.6608T>C on transcript NM_001197104.2 (MANE Select); coding-DNA position 6608, T replaced by C.
Protein change: p.Leu2203Ser; replaces leucine 2203 with serine.
Molecular consequence: missense variant.
Genome position (GRCh38, 1-based): chr11:118,502,500, T>C. VCF-style: chr11-118502500-T-C. GRCh37 (hg19) VCF-style: chr11-118373215-T-C.
Other names: c.6698T>C, p.Leu2233Ser (NM_001412597.1); c.6599T>C, p.Leu2200Ser (NM_005933.4); short protein forms L2200S, L2203S, L2233S.
Identifiers: ClinVar variation 4765608 (VCV004765608.1).
Genomic context (GRCh38, chr11:118,502,500, plus strand): 5'-ATCCTTTACTCTCCTCTGGACTTCGAAGCATTGGCTCCAGGCGTCACAGTACCTCTTCCT[T>C]ATCACCCCAGCGGTCCAAACTCCGGATAATGTCTCCAATGAGAACTGGGAATACTTACTC-3'
Protein context (NP_001184033.1, residues 2193-2213): IGSRRHSTSS[Leu2203Ser]SPQRSKLRIM